The following is an entry in ClinVar:

NM_000130.5(F5):c.5752A>G (p.Ile1918Val)

Gene: F5 (coagulation factor V; minus strand). Cytogenetic location: 1q24.2.
Variant type: single nucleotide variant.
Coding change: c.5752A>G on transcript NM_000130.5 (MANE Select); coding-DNA position 5752, A replaced by G.
Protein change: p.Ile1918Val; replaces isoleucine 1918 with valine.
Molecular consequence: missense variant.
Genome position (GRCh38, 1-based): chr1:169,524,873, T>C on the plus strand (A>G on the coding strand, the complement: F5 is on the minus strand). VCF-style: chr1-169524873-T-C. GRCh37 (hg19) VCF-style: chr1-169494111-T-C.
Other names: short protein forms I1918V.
Identifiers: ClinVar variation 4072671 (VCV004072671.1).

ClinVar aggregate classification (germline): Uncertain significance (1 of 4 stars; one submission).

gnomAD v4.1: 3 of 1,613,766 alleles (0.00019%); highest among the groups gnomAD compares: African/African-American, 0.004%; no homozygotes.

Submission:

GeneDx
Classification: Uncertain significance. Last evaluated: 2025-01-31. Review status: criteria provided, single submitter. Criteria: GeneDx Variant Classification Process June 2021. Collection method: clinical testing. Allele origin: germline. Affected: yes.
Comment: In silico analysis indicates that this missense variant does not alter protein structure/function; Has not been previously published as pathogenic or benign to our knowledge